The following is an entry in ClinVar:

ClinVar aggregate classification (germline): Benign. Review status: criteria provided, multiple submitters, no conflicts (2 of 4 stars). 11 submissions from 10 submitters: Benign (11). Last evaluated 2026-02-02.

Conditions:
Familial thoracic aortic aneurysm and aortic dissection (TAAD). Also called: Thoracic aortic aneurysms and dissections. Identifiers: Orphanet 91387, MedGen C4707243, MONDO:0019625.
Adams-Oliver syndrome 5 (AOS5). Identifiers: Orphanet 974, MedGen C4014970, MONDO:0014459, OMIM 616028.
Aortic valve disease 1 (AOVD1). Identifiers: MedGen C3887892, MONDO:0024523, OMIM 109730.

Allele frequency attached by ClinVar (database versions not stated): gnomAD exomes 0.00128 and 0.00339; ExAC 0.00401; ESP Exome Variant Server 0.01084; gnomAD 0.01126 and 0.01198; TOPMed 0.01236; 1000 Genomes Project 0.01258; 1000 Genomes Project 30x 0.01437.
gnomAD v4.1: 3,625 of 1,599,146 alleles (0.23%); highest among the groups gnomAD compares: African/African-American, 3.7%; 48 homozygotes.

Submissions (11):

Labcorp Genetics (formerly Invitae), Labcorp
Classification: Benign for Adams-Oliver syndrome 5. Last evaluated: 2026-02-02. Review status: criteria provided, single submitter. Criteria: Invitae Variant Classification Sherloc (09022015). Collection method: clinical testing. Allele origin: germline.

CeGaT Center for Human Genetics Tuebingen
Classification: Benign. Last evaluated: 2025-04-01. Review status: criteria provided, single submitter. Criteria: CeGaT Center For Human Genetics Tuebingen Variant Classification Criteria Version 2. Collection method: clinical testing. Allele origin: germline. Affected: yes. Observed: 1 variant allele.
Comment: NOTCH1: BP4, BP7, BS1, BS2

ARUP Laboratories, Molecular Genetics and Genomics, ARUP Laboratories
Classification: Benign. Last evaluated: 2025-03-27. Review status: criteria provided, single submitter. Criteria: ARUP Molecular Germline Variant Investigation Process 2024. Collection method: clinical testing. Allele origin: germline.

Women's Health and Genetics/Laboratory Corporation of America, LabCorp
Classification: Benign. Last evaluated: 2023-07-21. Review status: criteria provided, single submitter. Criteria: LabCorp Variant Classification Summary - May 2015. Collection method: clinical testing. Allele origin: germline.

Genome-Nilou Lab
Classification: Benign for Adams-Oliver syndrome 5. Last evaluated: 2022-03-15. Review status: criteria provided, single submitter. Criteria: ACMG Guidelines, 2015. Collection method: clinical testing. Allele origin: germline. Affected: no.

Genome-Nilou Lab
Classification: Benign for Aortic valve disease 1. Last evaluated: 2022-03-15. Review status: criteria provided, single submitter. Criteria: ACMG Guidelines, 2015. Collection method: clinical testing. Allele origin: germline. Affected: no.

Fulgent Genetics
Classification: Benign for Aortic valve disease 1; Adams-Oliver syndrome 5. Last evaluated: 2021-07-02. Review status: criteria provided, single submitter. Criteria: ACMG Guidelines, 2015. Collection method: clinical testing. Allele origin: unknown.

Mayo Clinic Laboratories, Mayo Clinic
Classification: Benign. Last evaluated: 2017-11-29. Review status: criteria provided, single submitter. Criteria: ACMG Guidelines, 2015. Collection method: clinical testing. Allele origin: germline. Observed: 10 variant alleles.

GeneDx
Classification: Benign. Last evaluated: 2016-12-06. Review status: criteria provided, single submitter. Criteria: GeneDx Variant Classification (06012015). Collection method: clinical testing. Allele origin: germline. Affected: yes.
Comment: This variant is considered likely benign or benign based on one or more of the following criteria: it is a conservative change, it occurs at a poorly conserved position in the protein, it is predicted to be benign by multiple in silico algorithms, and/or has population frequency not consistent with disease.

Ambry Genetics
Classification: Benign for Familial thoracic aortic aneurysm and aortic dissection. Last evaluated: 2015-08-30. Review status: criteria provided, single submitter. Criteria: Ambry Variant Classification Scheme 2023. Collection method: clinical testing. Allele origin: germline.

Breakthrough Genomics
Classification: Benign. Review status: criteria provided, single submitter. Criteria: ACMG Guidelines, 2015. Collection method: not provided. Allele origin: germline. Inheritance: Autosomal dominant inheritance. Affected: yes.

Literature cited by the submitters: PubMed 24943832 (cited by Women's Health and Genetics/Laboratory Corporation of America, LabCorp); PubMed 16614245 (cited by Women's Health and Genetics/Laboratory Corporation of America, LabCorp); PubMed 21670202 (cited by Women's Health and Genetics/Laboratory Corporation of America, LabCorp); PubMed 22210878 (cited by Women's Health and Genetics/Laboratory Corporation of America, LabCorp); PubMed 19635999 (cited by Women's Health and Genetics/Laboratory Corporation of America, LabCorp); PubMed 26837699 (cited by Women's Health and Genetics/Laboratory Corporation of America, LabCorp); PubMed 23086750 (cited by Women's Health and Genetics/Laboratory Corporation of America, LabCorp); PubMed 19245433 (cited by Women's Health and Genetics/Laboratory Corporation of America, LabCorp); PubMed 22077063 (cited by Women's Health and Genetics/Laboratory Corporation of America, LabCorp); PubMed 15472075 (cited by Women's Health and Genetics/Laboratory Corporation of America, LabCorp); PubMed 23734977 (cited by Women's Health and Genetics/Laboratory Corporation of America, LabCorp); PubMed 22858860 (cited by Women's Health and Genetics/Laboratory Corporation of America, LabCorp).

NM_017617.5(NOTCH1):c.5679C>T (p.Gly1893=)

Gene: NOTCH1 (notch receptor 1; minus strand). Cytogenetic location: 9q34.3.
Variant type: single nucleotide variant.
Coding change: c.5679C>T on transcript NM_017617.5 (MANE Select); coding-DNA position 5679, C replaced by T.
Protein change: p.Gly1893=; no amino-acid change (glycine 1893 retained).
Molecular consequence: synonymous variant.
Genome position (GRCh38, 1-based): chr9:136,500,807, G>A on the plus strand (C>T on the coding strand, the complement: NOTCH1 is on the minus strand). VCF-style: chr9-136500807-G-A. GRCh37 (hg19) VCF-style: chr9-139395259-G-A.
Other names: p.Gly1893=; c.5679C>T, p.Gly1893= (LRG_1122t1); c.5679C>T (NM_017617.4).
Identifiers: ClinVar variation 241155 (VCV000241155.34), dbSNP rs2229973, ClinGen allele CA5340154.